The following is an entry in ClinVar:

NM_006206.6(PDGFRA):c.1787-4A>G

Gene: PDGFRA (platelet derived growth factor receptor alpha; plus strand). Cytogenetic location: 4q12.
Variant type: single nucleotide variant.
Coding change: c.1787-4A>G on transcript NM_006206.6 (MANE Select); 4 bases into the intron before coding-DNA position 1787, A replaced by G.
Molecular consequence: intron variant.
Genome position (GRCh38, 1-based): chr4:54,277,384, A>G. VCF-style: chr4-54277384-A-G. GRCh37 (hg19) VCF-style: chr4-55143551-A-G.
Other names: c.1787-4A>G (NM_001347827.2, NM_001347829.2); c.1826-4A>G (NM_001347830.2); c.1862-4A>G (NM_001347828.2).
Identifiers: ClinVar variation 459021 (VCV000459021.13), dbSNP rs1553904808, ClinGen allele CA658655836.

ClinVar aggregate classification (germline): Likely benign. Review status: criteria provided, multiple submitters, no conflicts (2 of 4 stars). 2 submissions from 2 submitters: Likely benign (2). Last evaluated 2026-06-15.

Conditions:
Polyps, multiple and recurrent inflammatory fibroid, gastrointestinal. Identifiers: MedGen C5193005, MONDO:0008285, OMIM 175510.
Gastrointestinal stromal tumor. Also called: Gastrointestinal stroma tumor; Gastrointestinal stromal tumor, somatic. Identifiers: Orphanet 44890, MedGen C0238198, MeSH D046152, MONDO:0011719, OMIM 606764, HP:0100723.

Allele frequency attached by ClinVar (database versions not stated): gnomAD exomes below 0.00001; TOPMed 0.00001.
gnomAD v4.1: 3 of 1,611,320 alleles (0.00019%); highest among the groups gnomAD compares: East Asian, 0.0045%; no homozygotes.

Submissions (2):

Myriad Genetics, Inc.
Classification: Likely benign for Polyps, multiple and recurrent inflammatory fibroid, gastrointestinal. Last evaluated: 2026-06-15. Review status: criteria provided, single submitter. Criteria: Myriad Autosomal Dominant, Autosomal Recessive and X-Linked Classification Criteria (2023). Collection method: clinical testing. Allele origin: unknown.
Comment: This variant is considered likely benign. This variant is intronic and is not expected to impact mRNA splicing.

Labcorp Genetics (formerly Invitae), Labcorp
Classification: Likely benign for Gastrointestinal stromal tumor. Last evaluated: 2025-12-23. Review status: criteria provided, single submitter. Criteria: Invitae Variant Classification Sherloc (09022015). Collection method: clinical testing. Allele origin: germline.